The following is an entry in ClinVar:

ClinVar aggregate classification (germline): Uncertain significance (1 of 4 stars; one submission).

Submission:

Labcorp Genetics (formerly Invitae), Labcorp
Classification: Uncertain significance. Last evaluated: 2023-03-27. Review status: criteria provided, single submitter. Criteria: Invitae Variant Classification Sherloc (09022015). Collection method: clinical testing. Allele origin: germline.
Comment: This sequence change replaces proline, which is neutral and non-polar, with leucine, which is neutral and non-polar, at codon 813 of the BAZ2B protein (p.Pro813Leu). This variant is not present in population databases (gnomAD no frequency). This variant has not been reported in the literature in individuals affected with BAZ2B-related conditions. An algorithm developed to predict the effect of missense changes on protein structure and function (PolyPhen-2) suggests that this variant is likely to be disruptive. In summary, the available evidence is currently insufficient to determine the role of this variant in disease. Therefore, it has been classified as a Variant of Uncertain Significance.

NM_013450.4(BAZ2B):c.2546C>T (p.Pro849Leu)

Gene: BAZ2B (bromodomain adjacent to zinc finger domain 2B; minus strand). Cytogenetic location: 2q24.2.
Variant type: single nucleotide variant.
Coding change: c.2546C>T on transcript NM_013450.4 (MANE Select); coding-DNA position 2546, C replaced by T.
Protein change: p.Pro849Leu; replaces proline 849 with leucine.
Molecular consequence: missense variant.
Genome position (GRCh38, 1-based): chr2:159,412,466, G>A on the plus strand (C>T on the coding strand, the complement: BAZ2B is on the minus strand). VCF-style: chr2-159412466-G-A. GRCh37 (hg19) VCF-style: chr2-160268977-G-A.
Other names: c.2438C>T, p.Pro813Leu (NM_001289975.1); c.2357C>T, p.Pro786Leu (NM_001329857.2); c.2444C>T, p.Pro815Leu (NM_001329858.2); short protein forms P786L, P813L, P815L, P849L.
Identifiers: ClinVar variation 2849337 (VCV002849337.3), dbSNP rs1244173719, ClinGen allele CA348936092.